The following is an entry in ClinVar:

NC_000001.10:g.(?_103477949)_(103496820_?)del

Gene: COL11A1 (collagen type XI alpha 1 chain; minus strand). Cytogenetic location: 1p21.1.
Variant type: Deletion.
Identifiers: ClinVar variation 3247924 (VCV003247924.1).

ClinVar aggregate classification (germline): Pathogenic (1 of 4 stars; one submission).

Submission:

Labcorp Genetics (formerly Invitae), Labcorp
Classification: Pathogenic. Last evaluated: 2023-09-20. Review status: criteria provided, single submitter. Criteria: Invitae Variant Classification Sherloc (09022015). Collection method: clinical testing. Allele origin: unknown.
Comment: A similar copy number variant has been observed in individual(s) with clinical features of Stickler syndrome (Invitae). In at least one individual the variant was observed to be de novo. This variant is a gross deletion of the genomic region encompassing exon(s) 5-14 of the COL11A1 gene. This variant would be expected to be in-frame, preserving the integrity of the reading frame. Experimental studies and prediction algorithms are not available or were not evaluated, and the functional significance of this variant is currently unknown. This variant disrupts a region of the COL11A1 protein in which other variant(s) (p.Gly532Cys) have been observed in individuals with COL11A1-related conditions (Invitae). This suggests that this is a clinically significant region of the protein, and that variants that disrupt it are likely to be disease-causing. For these reasons, this variant has been classified as Pathogenic.